The following is an entry in ClinVar:

ClinVar aggregate classification (germline): Uncertain significance (1 of 4 stars; one submission).

Submission:

Labcorp Genetics (formerly Invitae), Labcorp
Classification: Uncertain significance. Last evaluated: 2024-10-24. Review status: criteria provided, single submitter. Criteria: Invitae Variant Classification Sherloc (09022015). Collection method: clinical testing. Allele origin: germline.
Comment: This sequence change replaces isoleucine, which is neutral and non-polar, with valine, which is neutral and non-polar, at codon 844 of the HMCN1 protein (p.Ile844Val). This variant is not present in population databases (gnomAD no frequency). This variant has not been reported in the literature in individuals affected with HMCN1-related conditions. An algorithm developed to predict the effect of missense changes on protein structure and function outputs the following: PolyPhen-2: "Possibly Damaging". The valine amino acid residue is found in multiple mammalian species, which suggests that this missense change does not adversely affect protein function. In summary, the available evidence is currently insufficient to determine the role of this variant in disease. Therefore, it has been classified as a Variant of Uncertain Significance.

NM_031935.3(HMCN1):c.2530A>G (p.Ile844Val)

Gene: HMCN1 (hemicentin 1; plus strand). Cytogenetic location: 1q31.1.
Variant type: single nucleotide variant.
Coding change: c.2530A>G on transcript NM_031935.3 (MANE Select); coding-DNA position 2530, A replaced by G.
Protein change: p.Ile844Val; replaces isoleucine 844 with valine.
Molecular consequence: missense variant.
Genome position (GRCh38, 1-based): chr1:185,977,945, A>G. VCF-style: chr1-185977945-A-G. GRCh37 (hg19) VCF-style: chr1-185947077-A-G.
Other names: short protein forms I844V.
Identifiers: ClinVar variation 3645023 (VCV003645023.2).
Genomic context (GRCh38, chr1:185,977,945, plus strand): 5'-ATCAAATGGCGAAGATTAGACAACATGCCAATTTTCTCAAGACCTTTTTCAGTTAGTTCC[A>G]TCAGCCAACTAAGAACAGGAGCTCTCTTTATTTTAAGTAGGTTGAAGGAAATATATTTTG-3'
Protein context (NP_114141.2, residues 834-854): IFSRPFSVSS[Ile844Val]SQLRTGALFI